The following is an entry in ClinVar:

NM_000179.3(MSH6):c.3628_3629delinsTA (p.Val1210Ter)

Gene: MSH6 (mutS homolog 6; plus strand). Cytogenetic location: 2p16.3.
Variant type: Indel.
Coding change: c.3628_3629delinsTA on transcript NM_000179.3 (MANE Select); coding-DNA positions 3628 to 3629, GT replaced by TA.
Protein change: p.Val1210Ter; replaces valine 1210 with a stop codon.
Molecular consequence: nonsense.
Genome position (GRCh38, 1-based): chr2:47,805,689-47,805,690, GT replaced by TA. VCF-style: chr2-47805689-GT-TA. GRCh37 (hg19) VCF-style: chr2-48032828-GT-TA.
Other names: c.3103_3104delGTinsTA, p.Val1035Ter (NM_001406806.1, NM_001406807.1, NM_001406799.1); c.3628_3629delGTinsTA, p.Val1210Ter (NM_001406808.1, NM_001406809.1, NM_001406796.1 and 1 more transcripts); c.2722_2723delGTinsTA, p.Val908Ter (NM_001406811.1, NM_001406812.1, NM_001406814.1 and 4 more transcripts); c.3634_3635delGTinsTA, p.Val1212Ter (NM_001406813.1); c.2062_2063delGTinsTA, p.Val688Ter (NM_001406817.1); c.3331_3332delGTinsTA, p.Val1111Ter (NM_001406818.1, NM_001406819.1, NM_001406820.1 and 10 more transcripts); c.3460_3461delGTinsTA, p.Val1154Ter (NM_001406826.1); c.409_410delGTinsTA, p.Val137Ter (NM_001406831.1); and 8 more; short protein forms V1035*, V1080*, V1152*, V1212*, V525*, V688*, V908*, V1111*.
Identifiers: ClinVar variation 1733373 (VCV001733373.2), dbSNP rs2530825113, ClinGen allele CA2580067255.

ClinVar aggregate classification (germline): Pathogenic (1 of 4 stars; one submission).

Conditions:
Hereditary cancer-predisposing syndrome. Also called: Neoplastic Syndromes, Hereditary; Tumor predisposition; Hereditary Cancer Syndrome; Hereditary neoplastic syndrome. Identifiers: Orphanet 140162, MedGen C0027672, MeSH D009386, MONDO:0015356.

Submission:

Ambry Genetics
Classification: Pathogenic for Hereditary cancer-predisposing syndrome. Last evaluated: 2021-01-15. Review status: criteria provided, single submitter. Criteria: Ambry Variant Classification Scheme 2023. Collection method: clinical testing. Allele origin: germline.
Comment: The c.3628_3629delGTinsTA pathogenic mutation (also known as p.V1210*), located in coding exon 7 of the MSH6 gene, results from an in-frame deletion of GT and insertion of TA at nucleotide positions 3628 to 3629. This results in the substitution of the valine residue for a stop codon at codon 1210. This alteration is expected to result in loss of function by premature protein truncation or nonsense-mediated mRNA decay. As such, this alteration is interpreted as a disease-causing mutation.